The following is an entry in ClinVar:

ClinVar aggregate classification (germline): Conflicting classifications of pathogenicity. Review status: criteria provided, conflicting classifications (1 of 4 stars). 5 submissions from 5 submitters: Uncertain significance (3); Likely benign (1). 1 of the submissions does not count toward it. Last evaluated 2026-01-16.

Conditions:
Hereditary cancer-predisposing syndrome. Also called: Neoplastic Syndromes, Hereditary; Hereditary Cancer Syndrome; Hereditary neoplastic syndrome; Tumor predisposition. Identifiers: Orphanet 140162, MedGen C0027672, MeSH D009386, MONDO:0015356.
Familial cancer of breast. Also called: hereditary breast carcinoma; BREAST CANCER, FAMILIAL; Hereditary breast cancer. Identifiers: Orphanet 227535, MedGen C0346153, MONDO:0016419, OMIM 114480. Disease mechanism: loss of function.
Fanconi anemia complementation group N. Also called: PALB2-Related Fanconi Anemia. Identifiers: Orphanet 84, MedGen C1835817, MONDO:0012565, OMIM 610832. Disease mechanism: loss of function.

Allele frequency attached by ClinVar (database versions not stated): gnomAD exomes below 0.00001.

Submissions (5):

Labcorp Genetics (formerly Invitae), Labcorp
Classification: Uncertain significance for Familial cancer of breast. Last evaluated: 2026-01-16. Review status: criteria provided, single submitter. Criteria: Invitae Variant Classification Sherloc (09022015). Collection method: clinical testing. Allele origin: germline.
Comment: This sequence change replaces histidine, which is basic and polar, with tyrosine, which is neutral and polar, at codon 130 of the PALB2 protein (p.His130Tyr). This variant is not present in population databases (gnomAD no frequency). This variant has not been reported in the literature in individuals affected with PALB2-related conditions. ClinVar contains an entry for this variant (Variation ID: 824342). An algorithm developed to predict the effect of missense changes on protein structure and function outputs the following: PolyPhen-2: "Benign". The tyrosine amino acid residue is found in multiple mammalian species, which suggests that this missense change does not adversely affect protein function. In summary, the available evidence is currently insufficient to determine the role of this variant in disease. Therefore, it has been classified as a Variant of Uncertain Significance.

Color Diagnostics, LLC DBA Color Health
Classification: Uncertain significance for Hereditary cancer-predisposing syndrome. Last evaluated: 2020-08-03. Review status: criteria provided, single submitter. Criteria: ACMG Guidelines, 2015. Collection method: clinical testing. Allele origin: germline.
Comment: This missense variant replaces histidine with tyrosine at codon 130 of the PALB2 protein. Computational prediction suggests that this variant may not impact protein structure and function (internally defined REVEL score threshold <= 0.5, PMID: 27666373). To our knowledge, functional studies have not been reported for this variant. This variant has been reported in two individuals unaffected with breast (PMID: 30287823) and pancreatic cancer. This variant has not been identified in the general population by the Genome Aggregation Database (gnomAD). The available evidence is insufficient to determine the role of this variant in disease conclusively. Therefore, this variant is classified as a Variant of Uncertain Significance.

Ambry Genetics
Classification: Likely benign for Hereditary cancer-predisposing syndrome. Last evaluated: 2019-03-02. Review status: criteria provided, single submitter. Criteria: Ambry Variant Classification Scheme 2023. Collection method: clinical testing. Allele origin: germline.

Illumina Laboratory Services, Illumina
Classification: Uncertain significance for Fanconi anemia complementation group N. Last evaluated: 2018-01-13. Review status: criteria provided, single submitter. Criteria: ICSL Variant Classification Criteria 13 December 2019. Collection method: clinical testing. Allele origin: germline.

Leiden Open Variation Database
Classification: Uncertain significance. Last evaluated: 2018-10-10. Review status: no assertion criteria provided. Collection method: curation. Allele origin: germline. Affected: yes. Not counted in ClinVar's aggregate classification.
Comment: Curators: Marc Tischkowitz, Arleen D. Auerbach. Submitter to LOVD: Yukihide Momozawa.

Literature cited by the submitters: PubMed 30287823 (cited by Leiden Open Variation Database).

NM_024675.4(PALB2):c.388C>T (p.His130Tyr)

Gene: PALB2 (partner and localizer of BRCA2; minus strand). Cytogenetic location: 16p12.2.
Variant type: single nucleotide variant.
Coding change: c.388C>T on transcript NM_024675.4 (MANE Select); coding-DNA position 388, C replaced by T.
Protein change: p.His130Tyr; replaces histidine 130 with tyrosine.
Molecular consequence: missense variant.
Genome position (GRCh38, 1-based): chr16:23,636,158, G>A on the plus strand (C>T on the coding strand, the complement: PALB2 is on the minus strand). VCF-style: chr16-23636158-G-A. GRCh37 (hg19) VCF-style: chr16-23647479-G-A.
Other names: short protein forms H130Y.
Identifiers: ClinVar variation 824342 (VCV000824342.18), dbSNP rs1555461809, ClinGen allele CA395137451.